The following continues an entry in ClinVar:

NM_024301.5(FKRP):c.826C>A (p.Leu276Ile)

Gene: FKRP. ClinVar aggregate classification (germline): Pathogenic/Likely pathogenic. Pathogenic (52); Likely pathogenic (5).

Submissions 33 to 43 of 64:

Clinical Genomics Laboratory, Stanford Medicine
Classification: Pathogenic for FKRP-related muscular dystrophy-dystroglycanopathy. Last evaluated: 2022-10-31. Review status: criteria provided, single submitter. Criteria: ACMG Guidelines, 2015. Collection method: clinical testing. Allele origin: germline. Inheritance: Autosomal recessive inheritance. Observed: 1 variant allele, 1 heterozygote.
Comment: The p.Leu276Ile variant in the FKRP gene is the most commonly identified variant among individuals of European ancestry affected with limb girdle muscular dystrophy R9, and is recognized as a founder mutation in the Hutterite population (Frosk et al., 2005; Murphy et al., 2020). Individuals homozygous for the p.Leu276Ile variant are observed to have a milder phenotype with later onset of disease (Libell et al., 2020; Murphy et al., 2020). Two related heterozygous carriers of the p.Leu276Ile variant were reported to manifest symptoms of disease including muscle hypertrophy, elevated serum CK, and cardiomyopathy (Schottlaender et al., 2015); however, given the high frequency of this variant and lack of additional reports, risk of manifesting disease in heterozygous carriers has not been convincingly demonstrated. This variant has been identified in 139/60,758 European (non-Finnish) chromosomes (168/152,176 chromosomes overall) by the Genome Aggregation Database. This variant is present in ClinVar (Accession: VCV000004221.99). Functional studies of the p.Leu276Ile variant are supportive of a deleterious effect to the protein (Lu et al., 2010), and a homozygous mouse model demonstrated a similar disease phenotype and progression as observed in humans (Krag and Vissing, 2015). Computational tools predict that this variant is deleterious; however, the accuracy of in silico algorithms is limited. These data were assessed using the ACMG/AMP variant interpretation guidelines. In summary, there is sufficient evidence to classify the p.Leu276Ile variant as pathogenic for autosomal recessive FKRP-related muscular dystrophy-dystroglycanopathy. [ACMG evidence codes used: PM3_Very Strong; PS3; PP3]

MGZ Medical Genetics Center
Classification: Pathogenic for Autosomal recessive limb-girdle muscular dystrophy type 2I. Last evaluated: 2022-08-24. Review status: criteria provided, single submitter. Criteria: ACMG Guidelines, 2015. Collection method: clinical testing. Allele origin: germline. Affected: yes. Observed: 7 variant alleles.
Comment: ACMG criteria applied: PS3, PS4, PM3, PP1, PP3

Department of Pathology and Laboratory Medicine, Sinai Health System
Classification: Pathogenic for Muscular dystrophy-dystroglycanopathy (congenital with brain and eye anomalies), type A5; Muscular dystrophy-dystroglycanopathy type B5; Muscular dystrophy-dystroglycanopathy (congenital with brain and eye anomalies), type A1; Autosomal recessive limb-girdle muscular dystrophy type 2I. Last evaluated: 2022-07-04. Review status: criteria provided, single submitter. Criteria: ACMG Guidelines, 2015. Collection method: research. Allele origin: germline.

Women's Health and Genetics/Laboratory Corporation of America, LabCorp
Classification: Pathogenic for Autosomal recessive limb-girdle muscular dystrophy. Last evaluated: 2022-03-06. Review status: criteria provided, single submitter. Criteria: LabCorp Variant Classification Summary - May 2015. Collection method: clinical testing. Allele origin: germline.
Comment: Variant summary: FKRP c.826C>A (p.Leu276Ile) results in a conservative amino acid change in the encoded protein sequence. Three of five in-silico tools predict a benign effect of the variant on protein function. The variant allele was found at a frequency of 0.001 in 121630 control chromosomes. This frequency is not significantly higher than estimated for a pathogenic variant in FKRP causing Limb-Girdle Muscular Dystrophy, Autosomal Recessive (0.001 vs 0.0024), allowing no conclusion about variant significance. c.826C>A has been widely reported in the literature as a founder mutation in Hutterite and European populations observed as homozygous and compound heterozygous genotypes in multiple individuals affected with Autosomal Recessive Limb-Girdle Muscular Dystrophy (example, Brockington_2001). These data indicate that the variant is very likely to be associated with disease. Several studies report experimental evidence evaluating an impact on protein function and demonstrate reduced alpha-dystroglycan glycosylation in animal models consistent with the pathophysiology of disease (example, Blaeser_2013). More recently, utilizing cell lines harboring this variant, defective autophagy-lysosome pathway and increased apoptosis have been shown to contribute towards the pathogenesis of FKRP-associated muscular dystrophies (example, Ortiz-Cordero_2021). Multiple clinical diagnostic laboratories have submitted clinical-significance assessments for this variant to ClinVar after 2014 without evidence for independent evaluation. All laboratories classified the variant as pathogenic/likely pathogenic. Based on the evidence outlined above, the variant was classified as pathogenic.

Centre of Medical Genetics, University Hospital Muenster
Classification: Pathogenic for Autosomal recessive limb-girdle muscular dystrophy type 2I. Last evaluated: 2022-02-28. Review status: criteria provided, single submitter. Criteria: ACMG Guidelines, 2015. Collection method: clinical testing. Allele origin: germline. Affected: yes. Observed: 1 variant allele, 1 heterozygote.
Comment: ACMG categories: PS1,PS5,PM2

Pittsburgh Clinical Genomics Laboratory, University of Pittsburgh Medical Center
Classification: Pathogenic for Muscular dystrophy-dystroglycanopathy type B5. Last evaluated: 2022-02-25. Review status: criteria provided, single submitter. Criteria: ACMG Guidelines, 2015. Collection method: clinical testing. Allele origin: germline. Inheritance: Autosomal recessive inheritance. Affected: yes.
Comment: This sequence variant is a single nucleotide substitution (C>A) which results in a leucine to isoleucine amino acid change at residue 276 in the FKRP protein. This is a previously reported variant (ClinVar) which is the most common variant associated with limb-girdle muscular dystrophy type 2I (PMID: 15580560, 30919934, 26833294, 11741828, 18639457, 15574464, 24447024). This variant has a frequency of 0.11% (168/152176) alleles in the gnomAD control population database. Functiol studies, utilizing animal models and patient muscle biopsies, suggest that the variant leads to decreased levels of glycosylated alpha-Dystroglycan and Laminin-alpha2 (PMID: 26574668, 11741828, 23591631). Given the available evidence, we consider this variant to be pathogenic. ACMG Criteria: PP1, PP3, PS3, PS4

Department of Human Genetics, Hannover Medical School
Classification: Pathogenic for Autosomal recessive limb-girdle muscular dystrophy type 2I. Last evaluated: 2021-12-14. Review status: criteria provided, single submitter. Criteria: ACMG Guidelines, 2015. Collection method: clinical testing. Allele origin: germline. Inheritance: Autosomal recessive inheritance. Affected: yes.

Laboratory of Medical Genetics, National & Kapodistrian University of Athens
Classification: Pathogenic for Autosomal recessive limb-girdle muscular dystrophy type 2I. Last evaluated: 2021-10-01. Review status: criteria provided, single submitter. Criteria: ACMG Guidelines, 2015. Collection method: clinical testing. Allele origin: unknown. Affected: yes.
Comment: PM2, PP3, PP4, PP5

Clinical Genomics Laboratory, Stanford Medicine
Classification: Pathogenic for Muscular dystrophy-dystroglycanopathy (congenital with brain and eye anomalies), type A5. Last evaluated: 2021-05-21. Review status: criteria provided, single submitter. Criteria: ACMG Guidelines, 2015. Collection method: clinical testing. Allele origin: germline. Affected: yes. Observed: 1 heterozygote.
Comment: • The p.Leu276Ile variant in the FKRP gene is the most commonly identified variant among individuals of European ancestry affected with limb girdle muscular dystrophy R9, and is recognized as a founder mutation in the Hutterite population (Frosk et al., 2005; Murphy et al., 2020). • Individuals homozygous for the p.Leu276Ile variant are observed to have a milder phenotype with later onset of disease (Murphy et al., 2020). • Two related heterozygous carriers of the p.Leu276Ile variant were reported to manifest symptoms of disease including muscle hypertrophy, elevated serum CK, and cardiomyopathy (Schottlaender et al., 2015); however, given the high frequency of this variant and lack of additional reports, risk of manifesting disease in heterozygous carriers has not been convincingly demonstrated. • This variant has been identified in 139/60,758 European (non-Finnish) chromosomes (168/152,176 chromosomes overall) by the Genome Aggregation Database. • Functional studies of the p.Leu276Ile variant are supportive of a deleterious effect to the protein (Lu et al., 2010), and a homozygous mouse model demonstrated a similar disease phenotype and progression as observed in humans (Krag and Vissing, 2015). • Computational tools predict that this variant is deleterious; however, the accuracy of in silico algorithms is limited. • These data were assessed using the ACMG/AMP variant interpretation guidelines. In summary, there is sufficient evidence to classify the p.Leu276Ile variant as pathogenic for autosomal recessive FKRP-related muscular dystrophy-dystroglycanopathy. [ACMG evidence codes used: PM3_Very Strong; PS3; PP3]

GeneDx
Classification: Pathogenic. Last evaluated: 2020-12-11. Review status: criteria provided, single submitter. Criteria: GeneDx Variant Classification Process June 2021. Collection method: clinical testing. Allele origin: germline. Affected: yes.
Comment: Reported to cause calf pseudohypertrophy, cardiomyopathy, winged scapula, and elevated creatinine kinase in heterozygous carriers in a single family (Schottlaender et al., 2015); Published functional studies demonstrate a damaging effect, suggesting that this variant results in reduced secretion of protein from the cell (Lu et al., 2010); Homozygous mouse knock-in model demonstrated the classic late-onset LGMD2I phenotype in both skeletal and cardiac muscles (Qiao et al., 2014); This variant is associated with the following publications: (PMID: 31127727, 32914449, 31980526, 32429923, 32403337, 32190976, 31268217, 30919934, 30564623, 29858056, 19900540, 15883334, 28112097, 19705481, 15886712, 16634037, 16786213, 18639457, 22981120, 21220724, 18060779, 23891399, 29545481, 30232282, 30060766, 29970176, 14647208, 25560911, 11741828, 28479227, 15060126, 28107841, 28666318, 26833294, 26363967, 26574668, 25048216, 17554798, 15574464, 23591631, 16344347, 21228398, 19820980, 15580560, 23576288, 12666124, 18593008, 24447024, 22264518, 31041397, 32042916)

AiLife Diagnostics
Classification: Pathogenic. Last evaluated: 2020-06-02. Review status: criteria provided, single submitter. Criteria: ACMG Guidelines, 2015. Collection method: clinical testing. Allele origin: germline. Affected: yes. Observed: 2 variant alleles.